The following is an entry in ClinVar:

ClinVar aggregate classification (germline): Uncertain significance. Review status: criteria provided, multiple submitters, no conflicts (2 of 4 stars). 3 submissions from 3 submitters: Uncertain significance (2). 1 of the submissions does not count toward it. Last evaluated 2025-09-25.

Conditions:
Inborn genetic diseases. Identifiers: MedGen C0950123, MeSH D030342.
Melanoma, uveal, susceptibility to, 1 (UVM1). Identifiers: Orphanet 39044, MedGen C1847724, MONDO:0011695, OMIM 606660. Disease mechanism: loss of function.

Submissions (3):

Labcorp Genetics (formerly Invitae), Labcorp
Classification: Uncertain significance. Last evaluated: 2025-09-25. Review status: criteria provided, single submitter. Criteria: Invitae Variant Classification Sherloc (09022015). Collection method: clinical testing. Allele origin: germline.
Comment: This sequence change replaces arginine, which is basic and polar, with tryptophan, which is neutral and slightly polar, at codon 468 of the MBD4 protein (p.Arg468Trp). This variant is present in population databases (no rsID available, gnomAD 0.006%). This missense change has been observed in individual(s) with uveal melanoma (PMID: 38060262). This variant is also known as c.1384C>T (p.Arg462Trp). ClinVar contains an entry for this variant (Variation ID: 1700257). An algorithm developed to predict the effect of missense changes on protein structure and function (PolyPhen-2) suggests that this variant is likely to be disruptive. Experimental studies have shown that this missense change affects MBD4 function (PMID: 32239153). Algorithms developed to predict the effect of sequence changes on RNA splicing suggest that this variant may disrupt the consensus splice site. In summary, the available evidence is currently insufficient to determine the role of this variant in disease. Therefore, it has been classified as a Variant of Uncertain Significance.

Ambry Genetics
Classification: Uncertain significance for Inborn genetic diseases. Last evaluated: 2025-01-20. Review status: criteria provided, single submitter. Criteria: Ambry Variant Classification Scheme 2023. Collection method: clinical testing. Allele origin: germline.
Comment: The p.R462W variant (also known as c.1384C>T), located in coding exon 5 of the MBD4 gene, results from a C to T substitution at nucleotide position 1384. The arginine at codon 462 is replaced by tryptophan, an amino acid with dissimilar properties. This amino acid position is not well conserved in available vertebrate species. In addition, this alteration is predicted to be deleterious by in silico analysis. Based on the available evidence, the clinical significance of this variant remains unclear.

OMIM
Classification: risk factor for MELANOMA, UVEAL, SUSCEPTIBILITY TO, 1. Last evaluated: 2022-08-09. Review status: no assertion criteria provided. Collection method: literature only. Allele origin: unknown. Not counted in ClinVar's aggregate classification.

Literature cited by the submitters: PubMed 38060262 (cited by Labcorp Genetics (formerly Invitae), Labcorp); PubMed 32239153 (cited by Labcorp Genetics (formerly Invitae), Labcorp and OMIM).

NM_001276270.2(MBD4):c.1384C>T (p.Arg462Trp)

Gene: MBD4 (methyl-CpG binding domain 4, DNA glycosylase; minus strand). Cytogenetic location: 3q21.3.
Variant type: single nucleotide variant.
Coding change: c.1384C>T on transcript NM_001276270.2 (MANE Select); coding-DNA position 1384, C replaced by T.
Protein change: p.Arg462Trp; replaces arginine 462 with tryptophan.
Molecular consequence: missense variant.
Genome position (GRCh38, 1-based): chr3:129,433,859, G>A on the plus strand (C>T on the coding strand, the complement: MBD4 is on the minus strand). VCF-style: chr3-129433859-G-A. GRCh37 (hg19) VCF-style: chr3-129152702-G-A.
Other names: MBD4, ARG468TRP (rs1380952147); R468W; c.1402C>T, p.Arg468Trp (NM_001276271.2, NM_001276272.2, NM_003925.3); c.448C>T, p.Arg150Trp (NM_001276273.2); short protein forms R150W, R462W.
Identifiers: ClinVar variation 1700257 (VCV001700257.4), dbSNP rs1380952147, ClinGen allele CA354465627.